The following is an entry in ClinVar:

ClinVar aggregate classification (germline): Uncertain significance (1 of 4 stars; one submission).

Allele frequency attached by ClinVar (database versions not stated): gnomAD exomes below 0.00001; TOPMed below 0.00001; gnomAD 0.00001.
gnomAD v4.1: 2 of 1,613,474 alleles (0.00012%); highest among the groups gnomAD compares: Non-Finnish European, 0.00017%; no homozygotes.

Submission:

Labcorp Genetics (formerly Invitae), Labcorp
Classification: Uncertain significance. Last evaluated: 2023-09-29. Review status: criteria provided, single submitter. Criteria: Invitae Variant Classification Sherloc (09022015). Collection method: clinical testing. Allele origin: germline.
Comment: In summary, the available evidence is currently insufficient to determine the role of this variant in disease. Therefore, it has been classified as a Variant of Uncertain Significance. An algorithm developed to predict the effect of missense changes on protein structure and function (PolyPhen-2) suggests that this variant is likely to be disruptive. This variant has not been reported in the literature in individuals affected with MYH9-related conditions. This variant is not present in population databases (gnomAD no frequency). This sequence change replaces glutamine, which is neutral and polar, with glutamic acid, which is acidic and polar, at codon 1314 of the MYH9 protein (p.Gln1314Glu).

NM_002473.6(MYH9):c.3940C>G (p.Gln1314Glu)

Gene: MYH9 (myosin heavy chain 9; minus strand). Cytogenetic location: 22q12.3.
Variant type: single nucleotide variant.
Coding change: c.3940C>G on transcript NM_002473.6 (MANE Select); coding-DNA position 3940, C replaced by G.
Protein change: p.Gln1314Glu; replaces glutamine 1314 with glutamic acid.
Molecular consequence: missense variant.
Genome position (GRCh38, 1-based): chr22:36,293,761, G>C on the plus strand (C>G on the coding strand, the complement: MYH9 is on the minus strand). VCF-style: chr22-36293761-G-C. GRCh37 (hg19) VCF-style: chr22-36689807-G-C.
Other names: short protein forms Q1314E.
Identifiers: ClinVar variation 2984047 (VCV002984047.3), dbSNP rs2016743402, ClinGen allele CA411385123.